The following is an entry in ClinVar:

ClinVar aggregate classification (germline): Likely pathogenic (1 of 4 stars; one submission).

Conditions:
Benign recurrent intrahepatic cholestasis type 2 (BRIC2). Also called: Recurrent familial intrahepatic cholestasis 2. Identifiers: Orphanet 65682, Orphanet 99961, MedGen C2608083, MONDO:0011559, OMIM 605479.
Progressive familial intrahepatic cholestasis type 2. Identifiers: Orphanet 79304, MedGen C3489789, MONDO:0011156, OMIM 601847.

Submission:

Juno Genomics, Hangzhou Juno Genomics, Inc
Classification: Likely pathogenic for Benign recurrent intrahepatic cholestasis type 2; Progressive familial intrahepatic cholestasis type 2. Review status: criteria provided, single submitter. Criteria: ACMG Guidelines, 2015. Collection method: clinical testing. Allele origin: germline.
Comment: Null variant in a gene where loss of function (LOF) is a known mechanism of disease.;Absent from controls (or at extremely low frequency if recessive) in Genome Aggregation Database.

NM_003742.4(ABCB11):c.120del (p.Asp41fs)

Gene: ABCB11 (ATP binding cassette subfamily B member 11; minus strand). Cytogenetic location: 2q31.1.
Variant type: Deletion.
Coding change: c.120del on transcript NM_003742.4 (MANE Select); coding-DNA position 120, one base deleted (T; older notation c.120delT).
Protein change: p.Asp41fs; shifts the reading frame from aspartic acid 41.
Molecular consequence: frameshift variant.
Genome position (GRCh38, 1-based): chr2:169,014,333, A deleted on the plus strand (T on the coding strand, the reverse complement: ABCB11 is on the minus strand). VCF-style (leftmost placement, unchanged base first): chr2-169014332-CA-C. GRCh37 (hg19) VCF-style: chr2-169870842-CA-C.
Other names: short protein forms D41fs.
Identifiers: ClinVar variation 5006121 (VCV005006121.2).